The following is an entry in ClinVar:

ClinVar aggregate classification (germline): Benign/Likely benign. Review status: criteria provided, multiple submitters, no conflicts (2 of 4 stars). 8 submissions from 8 submitters: Benign (4); Likely benign (4). Last evaluated 2026-01-28.

Conditions:
Anemia, congenital dyserythropoietic, type 1a (CDAN1A). Also called: CDAN1-Related Congenital Dyserythropoietic Anemia; DYSERYTHROPOIETIC ANEMIA, CONGENITAL, TYPE Ia. Identifiers: MedGen C5574667, MONDO:0009135, OMIM 224120.
Congenital dyserythropoietic anemia, type I. Also called: Dyserythropoietic anemia, congenital type 1. Identifiers: Orphanet 98869, MedGen C0271933, MONDO:0020337. Disease mechanism: loss of function.

Allele frequency attached by ClinVar (database versions not stated): gnomAD exomes 0.00153 and 0.00398; ExAC 0.00456; gnomAD 0.01174 and 0.01260; 1000 Genomes Project 0.01278; ESP Exome Variant Server 0.01338; TOPMed 0.01374; 1000 Genomes Project 30x 0.01390.
gnomAD v4.1: 4,141 of 1,613,816 alleles (0.26%); highest among the groups gnomAD compares: African/African-American, 3.8%; 59 homozygotes.

Submissions (8):

Labcorp Genetics (formerly Invitae), Labcorp
Classification: Benign. Last evaluated: 2026-01-28. Review status: criteria provided, single submitter. Criteria: Invitae Variant Classification Sherloc (09022015). Collection method: clinical testing. Allele origin: germline.

CeGaT Center for Human Genetics Tuebingen
Classification: Benign. Last evaluated: 2025-03-01. Review status: criteria provided, single submitter. Criteria: CeGaT Center For Human Genetics Tuebingen Variant Classification Criteria Version 2. Collection method: clinical testing. Allele origin: germline. Affected: yes. Observed: 2 variant alleles.
Comment: CDAN1: BS1, BS2

Mayo Clinic Laboratories, Mayo Clinic
Classification: Likely benign. Last evaluated: 2024-11-14. Review status: criteria provided, single submitter. Criteria: ACMG Guidelines, 2015. Collection method: clinical testing. Allele origin: germline. Observed: 36 variant alleles.
Comment: BS1, BS2

ARUP Laboratories, Molecular Genetics and Genomics, ARUP Laboratories
Classification: Likely benign for Anemia, congenital dyserythropoietic, type 1a. Last evaluated: 2024-05-28. Review status: criteria provided, single submitter. Criteria: ARUP Molecular Germline Variant Investigation Process 2024. Collection method: clinical testing. Allele origin: germline.

Illumina Laboratory Services, Illumina
Classification: Likely benign for Anemia, congenital dyserythropoietic, type 1a. Last evaluated: 2017-04-27. Review status: criteria provided, single submitter. Criteria: ICSL Variant Classification Criteria 13 December 2019. Collection method: clinical testing. Allele origin: germline.
Comment: This variant was observed as part of a predisposition screen in an ostensibly healthy population. A literature search was performed for the gene, cDNA change, and amino acid change (where applicable). No publications were found based on this search. Allele frequency data from public databases allowed determination this variant is unlikely to cause disease. Therefore, this variant is classified as likely benign.

Center for Pediatric Genomic Medicine, Children's Mercy Hospital and Clinics
Classification: Benign. Last evaluated: 2015-08-24. Review status: criteria provided, single submitter. Criteria: ACMG Guidelines, 2015. Collection method: clinical testing. Allele origin: germline.

Breakthrough Genomics
Classification: Likely benign. Review status: criteria provided, single submitter. Criteria: ACMG Guidelines, 2015. Collection method: not provided. Allele origin: germline. Inheritance: Autosomal recessive inheritance. Affected: yes.

PreventionGenetics, part of Exact Sciences
Classification: Benign. Review status: criteria provided, single submitter. Criteria: ACMG Guidelines, 2015. Collection method: clinical testing. Allele origin: germline.

NM_138477.4(CDAN1):c.2836C>T (p.Arg946Trp)

Gene: CDAN1 (codanin 1; minus strand). Cytogenetic location: 15q15.2.
Variant type: single nucleotide variant.
Coding change: c.2836C>T on transcript NM_138477.4 (MANE Select); coding-DNA position 2836, C replaced by T.
Protein change: p.Arg946Trp; replaces arginine 946 with tryptophan.
Molecular consequence: missense variant.
Genome position (GRCh38, 1-based): chr15:42,728,236, G>A on the plus strand (C>T on the coding strand, the complement: CDAN1 is on the minus strand). VCF-style: chr15-42728236-G-A. GRCh37 (hg19) VCF-style: chr15-43020434-G-A.
Other names: p.Arg946Trp; c.2836C>T, p.Arg946Trp (LRG_1164t1); short protein forms R946W.
Identifiers: ClinVar variation 235430 (VCV000235430.50), dbSNP rs114779238, ClinGen allele CA7515440.
Genomic context (GRCh38, chr15:42,728,236, plus strand): 5'-GCTAGCTGCAGGCCTCCCTCACACGTACGGCTGCCGGGGTCTCCTCTGGAAGCAGCGCCC[G>A]CACAGCCCCAGGGCTCTTCCTTTGACAGAACCTAAAAGGGGACAGATGGGGTCAGTGATC-3'
Protein context (NP_612486.2, residues 936-956): FCQRKSPGAV[Arg946Trp]ALLPEETPAA